The following is an entry in ClinVar:

NM_015268.4(DNAJC13):c.2529A>C (p.Glu843Asp)

Gene: DNAJC13 (DnaJ heat shock protein family (Hsp40) member C13; plus strand). Cytogenetic location: 3q22.1.
Variant type: single nucleotide variant.
Coding change: c.2529A>C on transcript NM_015268.4 (MANE Select); coding-DNA position 2529, A replaced by C.
Protein change: p.Glu843Asp; replaces glutamic acid 843 with aspartic acid.
Molecular consequence: missense variant.
Genome position (GRCh38, 1-based): chr3:132,477,872, A>C. VCF-style: chr3-132477872-A-C. GRCh37 (hg19) VCF-style: chr3-132196716-A-C.
Other names: c.2544A>C, p.Glu848Asp (NM_001329126.2); short protein forms E843D, E848D.
Identifiers: ClinVar variation 1026421 (VCV001026421.8), dbSNP rs1934524249, ClinGen allele CA354566683.

ClinVar aggregate classification (germline): Uncertain significance (1 of 4 stars; one submission).

Allele frequency attached by ClinVar (database versions not stated): TOPMed below 0.00001.

Submission:

Labcorp Genetics (formerly Invitae), Labcorp
Classification: Uncertain significance. Last evaluated: 2017-08-30. Review status: criteria provided, single submitter. Criteria: Invitae Variant Classification Sherloc (09022015). Collection method: clinical testing. Allele origin: germline.
Comment: In summary, the available evidence is currently insufficient to determine the role of this variant in disease. Therefore, it has been classified as a Variant of Uncertain Significance. Algorithms developed to predict the effect of missense changes on protein structure and function output the following: SIFT: "Tolerated"; PolyPhen-2: "Benign"; Align-GVGD: "Class C0". The aspartic acid amino acid residue is found in multiple mammalian species, suggesting that this missense change does not adversely affect protein function. These predictions have not been confirmed by published functional studies and their clinical significance is uncertain. This variant is not present in population databases (ExAC no frequency). This sequence change replaces glutamic acid with aspartic acid at codon 843 of the DNAJC13 protein (p.Glu843Asp). The glutamic acid residue is weakly conserved and there is a small physicochemical difference between glutamic acid and aspartic acid. This variant has not been reported in the literature in individuals with DNAJC13-related disease.